The following is an entry in ClinVar:

ClinVar aggregate classification (germline): Pathogenic (1 of 4 stars; one submission).

Submission:

Labcorp Genetics (formerly Invitae), Labcorp
Classification: Pathogenic. Last evaluated: 2017-09-20. Review status: criteria provided, single submitter. Criteria: Invitae Variant Classification Sherloc (09022015). Collection method: clinical testing. Allele origin: germline.
Comment: Loss-of-function variants in CDAN1 are known to be pathogenic (PMID: 16098079, 16141353). For these reasons, this variant has been classified as Pathogenic. This variant has not been reported in the literature in individuals with CDAN1-related disease. This variant is not present in population databases (ExAC no frequency). This sequence change creates a premature translational stop signal (p.Cys1081*) in the CDAN1 gene. It is expected to result in an absent or disrupted protein product.

Literature cited by the submitters: PubMed 16098079; PubMed 16141353.

NM_138477.4(CDAN1):c.3243C>A (p.Cys1081Ter)

Gene: CDAN1 (codanin 1; minus strand). Cytogenetic location: 15q15.2.
Variant type: single nucleotide variant.
Coding change: c.3243C>A on transcript NM_138477.4 (MANE Select); coding-DNA position 3243, C replaced by A.
Protein change: p.Cys1081Ter; replaces cysteine 1081 with a stop codon.
Molecular consequence: nonsense.
Genome position (GRCh38, 1-based): chr15:42,726,122, G>T on the plus strand (C>A on the coding strand, the complement: CDAN1 is on the minus strand). VCF-style: chr15-42726122-G-T. GRCh37 (hg19) VCF-style: chr15-43018320-G-T.
Other names: short protein forms C1081*.
Identifiers: ClinVar variation 1069028 (VCV001069028.7), dbSNP rs2061523666, ClinGen allele CA392028539.